The following is an entry in ClinVar:

NM_032229.3(SLITRK6):c.82A>G (p.Arg28Gly)

Gene: SLITRK6 (SLIT and NTRK like family member 6; minus strand). Cytogenetic location: 13q31.1.
Variant type: single nucleotide variant.
Coding change: c.82A>G on transcript NM_032229.3 (MANE Select); coding-DNA position 82, A replaced by G.
Protein change: p.Arg28Gly; replaces arginine 28 with glycine.
Molecular consequence: missense variant.
Genome position (GRCh38, 1-based): chr13:85,796,427, T>C on the plus strand (A>G on the coding strand, the complement: SLITRK6 is on the minus strand). VCF-style: chr13-85796427-T-C. GRCh37 (hg19) VCF-style: chr13-86370562-T-C.
Other names: short protein forms R28G.
Identifiers: ClinVar variation 929980 (VCV000929980.4), dbSNP rs1019837602, ClinGen allele CA253125980.
Genomic context (GRCh38, chr13:85,796,427, plus strand): 5'-AATTTATTAGCATTGTGCCATCTTTTTCCTCACAATTGCAAAGAGAATCACAAGAGCCTC[T>C]GGATGAGAGCACTGGAGTTTGGGAGTGTAAAGATATACAGGCAAGGAGAGATGAATAAAA-3'
Protein context (NP_115605.2, residues 18-38): LHSQTPVLSS[Arg28Gly]GSCDSLCNCE

ClinVar aggregate classification (germline): Likely benign (1 of 4 stars; one submission).

Allele frequency attached by ClinVar (database versions not stated): gnomAD exomes below 0.00001; gnomAD 0.00001; TOPMed 0.00001.
gnomAD v4.1: 4 of 1,611,140 alleles (0.00025%); highest among the groups gnomAD compares: African/African-American, 0.0054%; no homozygotes.

Submission:

Laboratory for Molecular Medicine, Mass General Brigham Personalized Medicine
Classification: Likely benign. Last evaluated: 2019-05-22. Review status: criteria provided, single submitter. Criteria: LMM Criteria. Collection method: clinical testing. Allele origin: germline. Observed: 1 variant allele.
Comment: The p.Arg28Gly variant in SLITRK6 is classified as likely benign due to a lack of conservation across species. Three mammals (horse, black flying fox, megabat) carry a glycine (Gly) at this position despite high nearby amino acid conservation. ACMG/AMP Criteria applied: BP4_Strong.